The following is an entry in ClinVar:

NM_013266.4(CTNNA3):c.292+13A>G

Gene: CTNNA3 (catenin alpha 3; minus strand). Cytogenetic location: 10q21.3.
Variant type: single nucleotide variant.
Coding change: c.292+13A>G on transcript NM_013266.4 (MANE Select); 13 bases into the intron after coding-DNA position 292, A replaced by G.
Molecular consequence: intron variant.
Genome position (GRCh38, 1-based): chr10:67,606,844, T>C on the plus strand (A>G on the coding strand, the complement: CTNNA3 is on the minus strand). VCF-style: chr10-67606844-T-C. GRCh37 (hg19) VCF-style: chr10-69366602-T-C.
Other names: c.292+13A>G (NM_001127384.3); c.328+13A>G (NM_001291133.2).
Identifiers: ClinVar variation 516742 (VCV000516742.14), dbSNP rs3750863, ClinGen allele CA5520666.

ClinVar aggregate classification (germline): Benign. Review status: criteria provided, multiple submitters, no conflicts (2 of 4 stars). 8 submissions from 8 submitters: Benign (5). 3 of the submissions do not count toward it. Last evaluated 2026-02-04.

Conditions:
Arrhythmogenic right ventricular dysplasia 13. Also called: ARRHYTHMOGENIC RIGHT VENTRICULAR CARDIOMYOPATHY 13; Arrhythmogenic right ventricular dysplasia, familial, 13. Identifiers: MedGen C3810138, MONDO:0000908, OMIM 615616.

Allele frequency attached by ClinVar (database versions not stated): gnomAD exomes 0.31715 and 0.36919; ExAC 0.38108; gnomAD 0.45089 and 0.45524; ESP Exome Variant Server 0.45617; TOPMed 0.46945; 1000 Genomes Project 0.52995; 1000 Genomes Project 30x 0.53482.
gnomAD v4.1: 528,772 of 1,600,614 alleles (33%); highest among the groups gnomAD compares: African/African-American, 81%; 99,221 homozygotes.

Submissions (8):

Labcorp Genetics (formerly Invitae), Labcorp
Classification: Benign for Arrhythmogenic right ventricular dysplasia 13. Last evaluated: 2026-02-04. Review status: criteria provided, single submitter. Criteria: Invitae Variant Classification Sherloc (09022015). Collection method: clinical testing. Allele origin: germline.

Blueprint Genetics
Classification: Benign. Last evaluated: 2024-11-27. Review status: criteria provided, single submitter. Criteria: ACMG Guidelines, 2015. Collection method: clinical testing. Allele origin: germline.

Women's Health and Genetics/Laboratory Corporation of America, LabCorp
Classification: Benign. Last evaluated: 2023-04-04. Review status: criteria provided, single submitter. Criteria: LabCorp Variant Classification Summary - May 2015. Collection method: clinical testing. Allele origin: germline.

GeneDx
Classification: Benign. Last evaluated: 2017-10-26. Review status: criteria provided, single submitter. Criteria: GeneDx Variant Classification (06012015). Collection method: clinical testing. Allele origin: germline. Affected: yes.
Comment: This variant is considered likely benign or benign based on one or more of the following criteria: it is a conservative change, it occurs at a poorly conserved position in the protein, it is predicted to be benign by multiple in silico algorithms, and/or has population frequency not consistent with disease.

Breakthrough Genomics
Classification: Benign. Review status: criteria provided, single submitter. Criteria: ACMG Guidelines, 2015. Collection method: not provided. Allele origin: germline. Inheritance: Autosomal dominant inheritance. Affected: yes.

Clinical Genetics DNA and cytogenetics Diagnostics Lab, Erasmus MC, Erasmus Medical Center
Classification: Benign. Review status: no assertion criteria provided. Collection method: clinical testing. Allele origin: germline. Affected: yes. Study: VKGL Data-share Consensus. Not counted in ClinVar's aggregate classification.

Clinical Genetics, Academic Medical Center
Classification: Benign. Review status: no assertion criteria provided. Collection method: clinical testing. Allele origin: germline. Affected: yes. Study: VKGL Data-share Consensus. Not counted in ClinVar's aggregate classification.

Genome Diagnostics Laboratory, University Medical Center Utrecht
Classification: Benign. Review status: no assertion criteria provided. Collection method: clinical testing. Allele origin: germline. Affected: yes. Study: VKGL Data-share Consensus. Not counted in ClinVar's aggregate classification.